The following is an entry in ClinVar:

ClinVar aggregate classification (germline): Uncertain significance (1 of 4 stars; one submission).

Conditions:
Familial adenomatous polyposis 1 (FAP1). Also called: FAMILIAL ADENOMATOUS POLYPOSIS 1, ATTENUATED; POLYPOSIS, ADENOMATOUS INTESTINAL. Identifiers: MedGen C2713442, MONDO:0021056, OMIM 175100. Disease mechanism: loss of function.

Submission:

Labcorp Genetics (formerly Invitae), Labcorp
Classification: Uncertain significance for Familial adenomatous polyposis 1. Last evaluated: 2022-03-21. Review status: criteria provided, single submitter. Criteria: Invitae Variant Classification Sherloc (09022015). Collection method: clinical testing. Allele origin: germline.
Comment: In summary, the available evidence is currently insufficient to determine the role of this variant in disease. Therefore, it has been classified as a Variant of Uncertain Significance. Algorithms developed to predict the effect of missense changes on protein structure and function are either unavailable or do not agree on the potential impact of this missense change (SIFT: "Deleterious"; PolyPhen-2: "Possibly Damaging"; Align-GVGD: "Class C0"). This variant has not been reported in the literature in individuals affected with APC-related conditions. This variant is not present in population databases (gnomAD no frequency). This sequence change replaces aspartic acid, which is acidic and polar, with valine, which is neutral and non-polar, at codon 147 of the APC protein (p.Asp147Val).

NM_000038.6(APC):c.440A>T (p.Asp147Val)

Gene: APC (APC regulator of Wnt signaling pathway; plus strand). Cytogenetic location: 5q22.2.
Variant type: single nucleotide variant.
Coding change: c.440A>T on transcript NM_000038.6 (MANE Select); coding-DNA position 440, A replaced by T.
Protein change: p.Asp147Val; replaces aspartic acid 147 with valine.
Molecular consequence: missense variant. On other transcripts: 5 prime UTR variant (1).
Genome position (GRCh38, 1-based): chr5:112,775,646, A>T. VCF-style: chr5-112775646-A-T. GRCh37 (hg19) VCF-style: chr5-112111343-A-T.
Other names: c.440A>T, p.Asp147Val (NM_001127510.3, NM_001354895.2, NM_001354896.2 and 16 more transcripts); c.470A>T, p.Asp157Val (NM_001127511.3, NM_001354897.2, NM_001354902.2 and 1 more transcripts); c.365A>T, p.Asp122Val (NM_001354898.2, NM_001354904.2, NM_001407451.1); c.263A>T, p.Asp88Val (NM_001354900.2, NM_001354901.2, NM_001354905.2 and 1 more transcripts); c.-596A>T (NM_001354906.2, NM_001407470.1, NM_001407471.1 and 1 more transcripts); short protein forms D147V, D88V, D122V, D157V.
Identifiers: ClinVar variation 2115080 (VCV002115080.4), dbSNP rs769039873, ClinGen allele CA16022282.